The following is an entry in ClinVar:

ClinVar aggregate classification (germline): Uncertain significance. Review status: criteria provided, multiple submitters, no conflicts (2 of 4 stars). 2 submissions from 2 submitters: Uncertain significance (2). Last evaluated 2025-03-18.

Conditions:
Inborn genetic diseases. Identifiers: MedGen C0950123, MeSH D030342.

Allele frequency attached by ClinVar (database versions not stated): TOPMed 0.00002; gnomAD exomes 0.00008; gnomAD 0.00009; ExAC 0.00011.

Submissions (2):

Ambry Genetics
Classification: Uncertain significance for Inborn genetic diseases. Last evaluated: 2025-03-18. Review status: criteria provided, single submitter. Criteria: Ambry Variant Classification Scheme 2023. Collection method: clinical testing. Allele origin: germline.

Labcorp Genetics (formerly Invitae), Labcorp
Classification: Uncertain significance. Last evaluated: 2023-10-16. Review status: criteria provided, single submitter. Criteria: Invitae Variant Classification Sherloc (09022015). Collection method: clinical testing. Allele origin: germline.
Comment: This sequence change replaces alanine, which is neutral and non-polar, with valine, which is neutral and non-polar, at codon 697 of the NDST1 protein (p.Ala697Val). This variant is present in population databases (rs766591981, gnomAD 0.02%). This variant has not been reported in the literature in individuals affected with NDST1-related conditions. Advanced modeling of protein sequence and biophysical properties (such as structural, functional, and spatial information, amino acid conservation, physicochemical variation, residue mobility, and thermodynamic stability) performed at Invitae indicates that this missense variant is not expected to disrupt NDST1 protein function. In summary, the available evidence is currently insufficient to determine the role of this variant in disease. Therefore, it has been classified as a Variant of Uncertain Significance.

NM_001543.5(NDST1):c.2090C>T (p.Ala697Val)

Gene: NDST1 (N-deacetylase and N-sulfotransferase 1; plus strand). Cytogenetic location: 5q33.1.
Variant type: single nucleotide variant.
Coding change: c.2090C>T on transcript NM_001543.5 (MANE Select); coding-DNA position 2090, C replaced by T.
Protein change: p.Ala697Val; replaces alanine 697 with valine.
Molecular consequence: missense variant.
Genome position (GRCh38, 1-based): chr5:150,545,431, C>T. VCF-style: chr5-150545431-C-T. GRCh37 (hg19) VCF-style: chr5-149924993-C-T.
Other names: c.2090C>T (NM_001543.4); c.2090C>T, p.Ala697Val (NM_001301063.2); short protein forms A697V.
Identifiers: ClinVar variation 2730407 (VCV002730407.4), dbSNP rs766591981, ClinGen allele CA3512870.